The following is an entry in ClinVar:

ClinVar aggregate classification (germline): Conflicting classifications of pathogenicity. Review status: criteria provided, conflicting classifications (1 of 4 stars). 4 submissions from 4 submitters: Uncertain significance (2); Likely benign (2). Last evaluated 2025-07-24.

Conditions:
Dilated cardiomyopathy 1G (CMD1G). Identifiers: Orphanet 154, MedGen C1858763, MONDO:0011400, OMIM 604145.
Autosomal recessive limb-girdle muscular dystrophy type 2J (LGMDR10). Also called: Limb-girdle muscular dystrophy, type 2J; MUSCULAR DYSTROPHY, LIMB-GIRDLE, AUTOSOMAL RECESSIVE 10. Identifiers: Orphanet 140922, MedGen C1837342, MONDO:0012127, OMIM 608807.

Allele frequency attached by ClinVar (database versions not stated): gnomAD 0.00001; gnomAD exomes 0.00001; TOPMed 0.00002.
gnomAD v4.1: 9 of 1,612,266 alleles (0.00056%); highest among the groups gnomAD compares: Non-Finnish European, 0.00076%; no homozygotes.

Submissions (4):

Molecular Diagnostic Laboratory for Inherited Cardiovascular Disease, Montreal Heart Institute
Classification: Likely benign. Last evaluated: 2025-07-24. Review status: criteria provided, single submitter. Criteria: ACMG Guidelines, 2015. Collection method: clinical testing. Allele origin: germline. Affected: no.
Comment: BP1

Blueprint Genetics
Classification: Likely benign. Last evaluated: 2023-05-11. Review status: criteria provided, single submitter. Criteria: ACMG Guidelines, 2015. Collection method: clinical testing. Allele origin: germline.

Revvity Omics, Revvity
Classification: Uncertain significance. Last evaluated: 2020-08-07. Review status: criteria provided, single submitter. Criteria: ACMG Guidelines, 2015. Collection method: clinical testing. Allele origin: germline.

Labcorp Genetics (formerly Invitae), Labcorp
Classification: Uncertain significance for Dilated cardiomyopathy 1G; Autosomal recessive limb-girdle muscular dystrophy type 2J. Last evaluated: 2017-10-23. Review status: criteria provided, single submitter. Criteria: Invitae Variant Classification Sherloc (09022015). Collection method: clinical testing. Allele origin: germline.

NM_001267550.2(TTN):c.52313G>A (p.Gly17438Glu)

Genes: TTN (titin; minus strand), TTN-AS1 (TTN antisense RNA 1; plus strand). Cytogenetic location: 2q31.2.
Variant type: single nucleotide variant.
Coding change: c.52313G>A on transcript NM_001267550.2 (MANE Select); coding-DNA position 52313, G replaced by A.
Protein change: p.Gly17438Glu; replaces glycine 17438 with glutamic acid.
Molecular consequence: missense variant.
Genome position (GRCh38, 1-based): chr2:178,608,698, C>T on the plus strand (G>A on the coding strand, the complement: TTN is on the minus strand). VCF-style: chr2-178608698-C-T. GRCh37 (hg19) VCF-style: chr2-179473425-C-T.
Other names: c.47390G>A, p.Gly15797Glu (NM_001256850.1); c.25118G>A, p.Gly8373Glu (NM_003319.4); c.44609G>A, p.Gly14870Glu (NM_133378.4); c.25493G>A, p.Gly8498Glu (NM_133432.3); c.25694G>A, p.Gly8565Glu (NM_133437.4); short protein forms G17438E, G8373E, G8498E, G14870E, G15797E, G8565E.
Identifiers: ClinVar variation 535646 (VCV000535646.8), dbSNP rs1356720044, ClinGen allele CA349575049.
Genomic context (GRCh38, chr2:178,608,698, plus strand): 5'-ACACATGGTGGACCTGGCCCAAATCTGTTTTCAGCTCTTACACGGAAGAGGTACTCTTTT[C>T]CTTCAATCAGTTTTGTTACTGAATATTTGCAATGTCTAAGTGTTGAAGTGACAACAATCC-3'
Protein context (NP_001254479.2, residues 17428-17448): CKYSVTKLIE[Gly17438Glu]KEYLFRVRAE